The following is an entry in ClinVar:

ClinVar aggregate classification (germline): Conflicting classifications of pathogenicity. Review status: criteria provided, conflicting classifications (1 of 4 stars). 4 submissions from 4 submitters: Uncertain significance (1); Likely benign (2). 1 of the submissions does not count toward it. Last evaluated 2024-07-20.

Conditions:
CHD7-related disorder. Also called: CHD7-related condition.
CHARGE syndrome (CHARGE). Also called: Hittner Hirsch Kreh syndrome; CHARGE ASSOCIATION--COLOBOMA, HEART ANOMALY, CHOANAL ATRESIA, RETARDATION, GENITAL AND EAR ANOMALIES; Coloboma, heart anomaly, choanal atresia, retardation, genital and ear anomalies; CHARGE association; Hall-Hittner syndrome. Identifiers: Orphanet 138, MedGen C0265354, MONDO:0008965.

Allele frequency attached by ClinVar (database versions not stated): gnomAD exomes 0.00001; gnomAD 0.00002 and 0.00003; TOPMed 0.00005.
gnomAD v4.1: 18 of 1,521,516 alleles (0.0012%); highest among the groups gnomAD compares: Non-Finnish European, 0.0014%; no homozygotes.

Submissions (4):

Labcorp Genetics (formerly Invitae), Labcorp
Classification: Likely benign for CHARGE syndrome. Last evaluated: 2024-07-20. Review status: criteria provided, single submitter. Criteria: Invitae Variant Classification Sherloc (09022015). Collection method: clinical testing. Allele origin: germline.

GeneDx
Classification: Likely benign. Last evaluated: 2020-08-14. Review status: criteria provided, single submitter. Criteria: GeneDx Variant Classification Process June 2021. Collection method: clinical testing. Allele origin: germline. Affected: yes.

Blueprint Genetics
Classification: Uncertain significance. Last evaluated: 2018-05-26. Review status: criteria provided, single submitter. Criteria: ACMG Guidelines, 2015. Collection method: clinical testing. Allele origin: germline.

PreventionGenetics, part of Exact Sciences
Classification: Likely benign for CHD7-related condition. Last evaluated: 2023-11-01. Review status: no assertion criteria provided. Collection method: clinical testing. Allele origin: germline. Not counted in ClinVar's aggregate classification.
Comment: This variant is classified as likely benign based on ACMG/AMP sequence variant interpretation guidelines (Richards et al. 2015 PMID: 25741868, with internal and published modifications).

NM_017780.4(CHD7):c.4377A>G (p.Glu1459=)

Gene: CHD7 (chromodomain helicase DNA binding protein 7; plus strand). Cytogenetic location: 8q12.2.
Variant type: single nucleotide variant.
Coding change: c.4377A>G on transcript NM_017780.4 (MANE Select); coding-DNA position 4377, A replaced by G.
Protein change: p.Glu1459=; no amino-acid change (glutamic acid 1459 retained).
Molecular consequence: synonymous variant. On other transcripts: intron variant (1).
Genome position (GRCh38, 1-based): chr8:60,838,099, A>G. VCF-style: chr8-60838099-A-G. GRCh37 (hg19) VCF-style: chr8-61750658-A-G.
Other names: c.4377A>G (NM_017780.3); c.1717-24130A>G (NM_001316690.1).
Identifiers: ClinVar variation 1181720 (VCV001181720.13), dbSNP rs1278636503, ClinGen allele CA460847171.
Genomic context (GRCh38, chr8:60,838,099, plus strand): 5'-AATTATTTTGAGTATTTTAAATATTTCTCTAAAACAGGTACAACAGCTTTCCAAGAAAGA[A>G]ATAGAGGATCTTCTACGAAAAGGGGCCTATGGTGCACTCATGGATGAGGAGGATGAAGGG-3'
Protein context (NP_060250.2, residues 1449-1469): TNGVQQLSKK[Glu1459=]IEDLLRKGAY